The following is an entry in ClinVar:

ClinVar aggregate classification (germline): Uncertain significance (1 of 4 stars; one submission).

Conditions:
Hereditary cancer-predisposing syndrome. Also called: Neoplastic Syndromes, Hereditary; Tumor predisposition; Hereditary Cancer Syndrome; Hereditary neoplastic syndrome. Identifiers: Orphanet 140162, MedGen C0027672, MeSH D009386, MONDO:0015356.

Submission:

Ambry Genetics
Classification: Uncertain significance for Hereditary cancer-predisposing syndrome. Last evaluated: 2019-03-15. Review status: criteria provided, single submitter. Criteria: Ambry Variant Classification Scheme 2023. Collection method: clinical testing. Allele origin: germline.
Comment: The p.H126N variant (also known as c.376C>A), located in coding exon 5 of the RAD51D gene, results from a C to A substitution at nucleotide position 376. The histidine at codon 126 is replaced by asparagine, an amino acid with similar properties. This amino acid position is well conserved in available vertebrate species. In addition, this alteration is predicted to be tolerated by in silico analysis. Since supporting evidence is limited at this time, the clinical significance of this alteration remains unclear.

NM_002878.4(RAD51D):c.376C>A (p.His126Asn)

Genes: RAD51D (RAD51 paralog D; minus strand), RAD51L3-RFFL (RAD51L3-RFFL readthrough; minus strand). Cytogenetic location: 17q12.
Variant type: single nucleotide variant.
Coding change: c.376C>A on transcript NM_002878.4 (MANE Select); coding-DNA position 376, C replaced by A.
Protein change: p.His126Asn; replaces histidine 126 with asparagine.
Molecular consequence: missense variant. On other transcripts: non-coding transcript variant (1), intron variant (1).
Genome position (GRCh38, 1-based): chr17:35,107,092, G>T on the plus strand (C>A on the coding strand, the complement: RAD51D is on the minus strand). VCF-style: chr17-35107092-G-T. GRCh37 (hg19) VCF-style: chr17-33434111-G-T.
Other names: c.436C>A, p.His146Asn (NM_001142571.2); c.145-611C>A (NM_133629.3); short protein forms H126N, H146N.
Identifiers: ClinVar variation 1734742 (VCV001734742.2), dbSNP rs2142433613, ClinGen allele CA399089349.